The following is an entry in ClinVar:

NM_016578.4(RSF1):c.1519G>A (p.Ala507Thr)

Gene: RSF1 (remodeling and spacing factor 1; minus strand). Cytogenetic location: 11q14.1.
Variant type: single nucleotide variant.
Coding change: c.1519G>A on transcript NM_016578.4 (MANE Select); coding-DNA position 1519, G replaced by A.
Protein change: p.Ala507Thr; replaces alanine 507 with threonine.
Molecular consequence: missense variant.
Genome position (GRCh38, 1-based): chr11:77,701,710, C>T on the plus strand (G>A on the coding strand, the complement: RSF1 is on the minus strand). VCF-style: chr11-77701710-C-T. GRCh37 (hg19) VCF-style: chr11-77412755-C-T.
Other names: short protein forms A507T.
Identifiers: ClinVar variation 3904929 (VCV003904929.10).
Genomic context (GRCh38, chr11:77,701,710, plus strand): 5'-CTTTTTGACTATGGATCTCTAAGACTGATATTGAACTATCTGCATCTTTCCTCAAAGGGG[C>T]TGTTTCTTTCTCAAGCTCACCTGTTTTCATACTTGTTATGACAGAATTTAAGGACTCTGT-3'
Protein context (NP_057662.3, residues 497-517): MKTGELEKET[Ala507Thr]PLRKDADSSI

ClinVar aggregate classification (germline): Likely benign (1 of 4 stars; one submission).

gnomAD v4.1: 9,890 of 1,613,642 alleles (0.61%); highest among the groups gnomAD compares: Non-Finnish European, 0.77%; 41 homozygotes.

Submission:

CeGaT Center for Human Genetics Tuebingen
Classification: Likely benign. Last evaluated: 2025-04-01. Review status: criteria provided, single submitter. Criteria: CeGaT Center For Human Genetics Tuebingen Variant Classification Criteria Version 2. Collection method: clinical testing. Allele origin: germline. Affected: yes. Observed: 1 variant allele.
Comment: RSF1: BP4, BS2